The following is an entry in ClinVar:

ClinVar aggregate classification (germline): Pathogenic (1 of 4 stars; one submission).

Conditions:
Congenital hyperammonemia, type I. Also called: Carbamoyl phosphate synthetase 1 deficiency; Hyperammonemia due to carbamoyl phosphate synthetase 1 deficiency; CPS 1 deficiency; Carbamyl phosphate synthetase (CPS) deficiency; Carbamoyl phosphate synthetase I deficiency disease; CPS I DEFICIENCY. Identifiers: Orphanet 147, MedGen C4082171, MONDO:0009376, OMIM 237300.

Submission:

Labcorp Genetics (formerly Invitae), Labcorp
Classification: Pathogenic for Congenital hyperammonemia, type I. Last evaluated: 2023-12-14. Review status: criteria provided, single submitter. Criteria: Invitae Variant Classification Sherloc (09022015). Collection method: clinical testing. Allele origin: germline.
Comment: This sequence change creates a premature translational stop signal (p.Gln1160*) in the CPS1 gene. It is expected to result in an absent or disrupted protein product. Loss-of-function variants in CPS1 are known to be pathogenic (PMID: 21120950). This variant is not present in population databases (gnomAD no frequency). This variant has not been reported in the literature in individuals affected with CPS1-related conditions. Algorithms developed to predict the effect of sequence changes on RNA splicing suggest that this variant may disrupt the consensus splice site. For these reasons, this variant has been classified as Pathogenic.

Literature cited by the submitters: PubMed 21120950.

NM_001875.5(CPS1):c.3478C>T (p.Gln1160Ter)

Gene: CPS1 (carbamoyl-phosphate synthase 1; plus strand). Cytogenetic location: 2q34.
Variant type: single nucleotide variant.
Coding change: c.3478C>T on transcript NM_001875.5 (MANE Select); coding-DNA position 3478, C replaced by T.
Protein change: p.Gln1160Ter; replaces glutamine 1160 with a stop codon.
Molecular consequence: nonsense. On other transcripts: non-coding transcript variant (2).
Genome position (GRCh38, 1-based): chr2:210,650,436, C>T. VCF-style: chr2-210650436-C-T. GRCh37 (hg19) VCF-style: chr2-211515160-C-T.
Other names: c.3478C>T, p.Gln1160Ter (NM_001122633.3, NM_001369257.1); c.3511C>T, p.Gln1171Ter (NM_001369256.1); short protein forms Q1160*, Q1171*.
Identifiers: ClinVar variation 2703252 (VCV002703252.3), dbSNP rs2469301648, ClinGen allele CA350437097.